The following is an entry in ClinVar:

NM_001369.3(DNAH5):c.7406A>C (p.Lys2469Thr)

Gene: DNAH5 (dynein axonemal heavy chain 5; minus strand). Cytogenetic location: 5p15.2.
Variant type: single nucleotide variant.
Coding change: c.7406A>C on transcript NM_001369.3 (MANE Select); coding-DNA position 7406, A replaced by C.
Protein change: p.Lys2469Thr; replaces lysine 2469 with threonine.
Molecular consequence: missense variant.
Genome position (GRCh38, 1-based): chr5:13,811,648, T>G on the plus strand (A>C on the coding strand, the complement: DNAH5 is on the minus strand). VCF-style: chr5-13811648-T-G. GRCh37 (hg19) VCF-style: chr5-13811757-T-G.
Other names: short protein forms K2469T.
Identifiers: ClinVar variation 2586222 (VCV002586222.2), dbSNP rs1760732904, ClinGen allele CA359188976.

ClinVar aggregate classification (germline): Uncertain significance (1 of 4 stars; one submission).

Conditions:
Primary ciliary dyskinesia. Also called: Ciliary dyskinesia. Identifiers: Orphanet 244, MedGen C0008780, MONDO:0016575, HP:0012265.

Allele frequency attached by ClinVar (database versions not stated): gnomAD exomes 0.00001.
gnomAD v4.1: 7 of 1,614,044 alleles (0.00043%); highest among the groups gnomAD compares: Non-Finnish European, 0.00059%; no homozygotes.

Submission:

Ambry Genetics
Classification: Uncertain significance for Primary ciliary dyskinesia. Last evaluated: 2023-06-29. Review status: criteria provided, single submitter. Criteria: Ambry Variant Classification Scheme 2023. Collection method: clinical testing. Allele origin: germline.
Comment: The p.K2469T variant (also known as c.7406A>C), located in coding exon 44 of the DNAH5 gene, results from an A to C substitution at nucleotide position 7406. The lysine at codon 2469 is replaced by threonine, an amino acid with similar properties. This amino acid position is conserved. In addition, this alteration is predicted to be tolerated by in silico analysis. Since supporting evidence is limited at this time, the clinical significance of this alteration remains unclear.